The following is an entry in ClinVar:

ClinVar aggregate classification (germline): Uncertain significance (1 of 4 stars; one submission).

gnomAD v4.1: 1 of 1,613,744 alleles (0.000062%); highest among the groups gnomAD compares: Non-Finnish European, 0.000085%; no homozygotes.

Submission:

Labcorp Genetics (formerly Invitae), Labcorp
Classification: Uncertain significance. Last evaluated: 2024-04-01. Review status: criteria provided, single submitter. Criteria: Invitae Variant Classification Sherloc (09022015). Collection method: clinical testing. Allele origin: germline.
Comment: This sequence change replaces proline, which is neutral and non-polar, with leucine, which is neutral and non-polar, at codon 1664 of the DCHS1 protein (p.Pro1664Leu). This variant is present in population databases (no rsID available, gnomAD 0.0009%). This variant has not been reported in the literature in individuals affected with DCHS1-related conditions. Advanced modeling of protein sequence and biophysical properties (such as structural, functional, and spatial information, amino acid conservation, physicochemical variation, residue mobility, and thermodynamic stability) has been performed at Invitae for this missense variant, however the output from this modeling did not meet the statistical confidence thresholds required to predict the impact of this variant on DCHS1 protein function. In summary, the available evidence is currently insufficient to determine the role of this variant in disease. Therefore, it has been classified as a Variant of Uncertain Significance.

NM_003737.4(DCHS1):c.4991C>T (p.Pro1664Leu)

Gene: DCHS1 (dachsous cadherin-related 1; minus strand). Cytogenetic location: 11p15.4.
Variant type: single nucleotide variant.
Coding change: c.4991C>T on transcript NM_003737.4 (MANE Select); coding-DNA position 4991, C replaced by T.
Protein change: p.Pro1664Leu; replaces proline 1664 with leucine.
Molecular consequence: missense variant.
Genome position (GRCh38, 1-based): chr11:6,629,716, G>A on the plus strand (C>T on the coding strand, the complement: DCHS1 is on the minus strand). VCF-style: chr11-6629716-G-A. GRCh37 (hg19) VCF-style: chr11-6650947-G-A.
Other names: short protein forms P1664L.
Identifiers: ClinVar variation 3615716 (VCV003615716.2).
Genomic context (GRCh38, chr11:6,629,716, plus strand): 5'-CCCCCCCAGGTCTTACCCACGTCGGGGTCGGTTGCTCGCAGGGTGAGCAGAGATGTGCCA[G>A]GAGGGTTGTTCTCACGCAAGAGGACGCTGTACTCCTGCTGCTGGAAAGTAGGCGCCTCGT-3'
Protein context (NP_003728.1, residues 1654-1674): YSVLLRENNP[Pro1664Leu]GTSLLTLRAT